The following is an entry in ClinVar:

NM_006734.4(HIVEP2):c.2428C>T (p.Arg810Ter)

Gene: HIVEP2 (HIVEP zinc finger 2; minus strand). Cytogenetic location: 6q24.2.
Variant type: single nucleotide variant.
Coding change: c.2428C>T on transcript NM_006734.4 (MANE Select); coding-DNA position 2428, C replaced by T.
Protein change: p.Arg810Ter; replaces arginine 810 with a stop codon.
Molecular consequence: nonsense.
Genome position (GRCh38, 1-based): chr6:142,772,311, G>A on the plus strand (C>T on the coding strand, the complement: HIVEP2 is on the minus strand). VCF-style: chr6-142772311-G-A. GRCh37 (hg19) VCF-style: chr6-143093448-G-A.
Other names: c.2428C>T, p.Arg810Ter (NM_001438449.1, NM_001438450.1, NM_001438451.1); short protein forms R810*.
Identifiers: ClinVar variation 4725497 (VCV004725497.1).
Genomic context (GRCh38, chr6:142,772,311, plus strand): 5'-CTTTATCCTGTGTGCAAGCCACAAGTTCGGCTGACTCAGACCTTTCAAATGAATTGGGTC[G>A]GCTCAGTGAGTTGGTGTGCTGAATCACAGAAATCACATTTCCAGGAGGTTTCCTGCCCCC-3'

ClinVar aggregate classification (germline): Pathogenic (1 of 4 stars; one submission).

gnomAD v4.1: 1 of 1,614,166 alleles (0.000062%); highest among the groups gnomAD compares: Non-Finnish European, 0.000085%; no homozygotes.

Submission:

Labcorp Genetics (formerly Invitae), Labcorp
Classification: Pathogenic. Last evaluated: 2025-08-15. Review status: criteria provided, single submitter. Criteria: Invitae Variant Classification Sherloc (09022015). Collection method: clinical testing. Allele origin: germline.
Comment: This sequence change creates a premature translational stop signal (p.Arg810*) in the HIVEP2 gene. It is expected to result in an absent or disrupted protein product. Loss-of-function variants in HIVEP2 are known to be pathogenic (PMID: 27003583). This variant is not present in population databases (gnomAD no frequency). This variant has not been reported in the literature in individuals affected with HIVEP2-related conditions. For these reasons, this variant has been classified as Pathogenic.

Literature cited by the submitters: PubMed 27003583.